The following is an entry in ClinVar:

NM_053025.4(MYLK):c.2537A>G (p.Tyr846Cys)

Gene: MYLK (myosin light chain kinase; minus strand). Cytogenetic location: 3q21.1.
Variant type: single nucleotide variant.
Coding change: c.2537A>G on transcript NM_053025.4 (MANE Select); coding-DNA position 2537, A replaced by G.
Protein change: p.Tyr846Cys; replaces tyrosine 846 with cysteine.
Molecular consequence: missense variant.
Genome position (GRCh38, 1-based): chr3:123,700,931, T>C on the plus strand (A>G on the coding strand, the complement: MYLK is on the minus strand). VCF-style: chr3-123700931-T-C. GRCh37 (hg19) VCF-style: chr3-123419778-T-C.
Other names: c.2009A>G, p.Tyr670Cys (NM_001321309.2); c.2330A>G, p.Tyr777Cys (NM_053026.4, NM_053028.4); c.2537A>G, p.Tyr846Cys (NM_053027.4); short protein forms Y670C, Y777C, Y846C.
Identifiers: ClinVar variation 3228901 (VCV003228901.1), dbSNP rs767551483, ClinGen allele CA068714.

ClinVar aggregate classification (germline): Uncertain significance (1 of 4 stars; one submission).

Conditions:
Familial thoracic aortic aneurysm and aortic dissection (TAAD). Also called: Thoracic aortic aneurysms and dissections. Identifiers: Orphanet 91387, MedGen C4707243, MONDO:0019625.

Allele frequency attached by ClinVar (database versions not stated): TOPMed below 0.00001; ExAC 0.00001.

Submission:

Ambry Genetics
Classification: Uncertain significance for Familial thoracic aortic aneurysm and aortic dissection. Last evaluated: 2023-12-30. Review status: criteria provided, single submitter. Criteria: Ambry Variant Classification Scheme 2023. Collection method: clinical testing. Allele origin: germline.
Comment: The p.Y846C variant (also known as c.2537A>G), located in coding exon 15 of the MYLK gene, results from an A to G substitution at nucleotide position 2537. The tyrosine at codon 846 is replaced by cysteine, an amino acid with highly dissimilar properties. This amino acid position is conserved. In addition, this alteration is predicted to be tolerated by in silico analysis. Since supporting evidence is limited at this time, the clinical significance of this alteration remains unclear.